The following is an entry in ClinVar:

ClinVar aggregate classification (germline): Pathogenic/Likely pathogenic. Review status: criteria provided, multiple submitters, no conflicts (2 of 4 stars). 5 submissions from 5 submitters: Pathogenic (3); Likely pathogenic (2). Last evaluated 2025-10-31.

Conditions:
Retinitis pigmentosa (RP). Identifiers: Orphanet 791, MedGen C0035334, MeSH D012174, MONDO:0019200, OMIM 268000. Inheritance: Autosomal dominant, autosomal recessive and X linked inheritance.
Retinitis pigmentosa 25 (RP25). Identifiers: Orphanet 791, MedGen C1864446, MONDO:0011272, OMIM 602772.

Allele frequency attached by ClinVar (database versions not stated): gnomAD exomes below 0.00001 and 0.00003; TOPMed 0.00001.
gnomAD v4.1: 4 of 1,551,212 alleles (0.00026%); highest among the groups gnomAD compares: East Asian, 0.0098%; no homozygotes.

Submissions (5):

Natera, Inc.
Classification: Pathogenic for Retinitis pigmentosa type 25. Last evaluated: 2025-10-31. Review status: criteria provided, single submitter. Criteria: Natera Variant Classification Schema (03/2026). Collection method: clinical testing. Allele origin: germline.
Comment: The c.8309T>C variant in EYS is a missense variant predicted to cause substitution of leucine to proline at amino acid 2770. This variant is rare in the general population with a frequency below the threshold expected for the associated phenotype(s). This variant has been observed in one or more individuals affected with the associated recessive disease, as either homozygous or compound heterozygous with a second variant (PMID: 39970144, 35816039, 34689181, 34178978, 33090715). Additionally, this variant has been observed to segregate in affected family members (PMID: 34689181). Computational prediction algorithms indicate this variant is likely to affect gene or protein function. Given the available evidence, this variant is classified as Pathogenic.

Labcorp Genetics (formerly Invitae), Labcorp
Classification: Pathogenic. Last evaluated: 2025-01-27. Review status: criteria provided, single submitter. Criteria: Invitae Variant Classification Sherloc (09022015). Collection method: clinical testing. Allele origin: germline.
Comment: This sequence change replaces leucine, which is neutral and non-polar, with proline, which is neutral and non-polar, at codon 2770 of the EYS protein (p.Leu2770Pro). This variant is present in population databases (no rsID available, gnomAD 0.03%). This missense change has been observed in individuals with clinical features of EYS-related conditions (PMID: 33090715, 36729443; internal data). This variant is also known as c.8372T>C, p.Leu2791Pro. ClinVar contains an entry for this variant (Variation ID: 1520323). Invitae Evidence Modeling of protein sequence and biophysical properties (such as structural, functional, and spatial information, amino acid conservation, physicochemical variation, residue mobility, and thermodynamic stability) indicates that this missense variant is expected to disrupt EYS protein function with a positive predictive value of 80%. For these reasons, this variant has been classified as Pathogenic.

Women's Health and Genetics/Laboratory Corporation of America, LabCorp
Classification: Pathogenic for Retinitis pigmentosa. Last evaluated: 2025-01-27. Review status: criteria provided, single submitter. Criteria: LabCorp Variant Classification Summary - May 2015. Collection method: clinical testing. Allele origin: germline.
Comment: Variant summary: EYS c.8309T>C (p.Leu2770Pro), also reported as p.Leu2791Pro, results in a non-conservative amino acid change located in the Laminin G domain profile (IPR001791) of the encoded protein sequence. Five of five in-silico tools predict a damaging effect of the variant on protein function. The variant allele was found at a frequency of 2.6e-05 in 156758 control chromosomes. c.8309T>C has been reported in the homozygous or compound heterozygous state in the literature or internally in multiple individuals affected with Retinitis Pigmentosa (example, Gao_2022, Liu_2021, Labcorp Genetics (formerly Invitae)). These data indicate that the variant is very likely to be associated with disease. To our knowledge, no experimental evidence demonstrating an impact on protein function has been reported. The following publications have been ascertained in the context of this evaluation (PMID: 34689181, 33090715). ClinVar contains an entry for this variant (Variation ID: 1520323). Based on the evidence outlined above, the variant was classified as pathogenic.

3billion
Classification: Likely pathogenic for Retinitis pigmentosa 25. Last evaluated: 2025-01-18. Review status: criteria provided, single submitter. Criteria: ACMG Guidelines, 2015. Collection method: clinical testing. Allele origin: germline. Affected: yes.
Comment: The variant is observed at an extremely low frequency in the gnomAD v4.1.0 dataset (total allele frequency: <0.001%). Predicted Consequence/Location: Missense variant. The majority of the known disease-causing variants of this gene are variants expected to result in premature termination of the protein. In silico tool predictions suggest damaging effect of the variant on gene or gene product [REVEL: 0.66 (>=0.6, sensitivity 0.68 and specificity 0.92)]. The same nucleotide change resulting in the same amino acid change has been previously reported as pathogenic/likely pathogenic with strong evidence (ClinVar ID: VCV001520323). Therefore, this variant is classified as Likely pathogenic according to the recommendation of ACMG/AMP guideline.

Baylor Genetics
Classification: Likely pathogenic for Retinitis pigmentosa 25. Last evaluated: 2024-03-23. Review status: criteria provided, single submitter. Criteria: ACMG Guidelines, 2015. Collection method: clinical testing. Allele origin: unknown.

Literature cited by the submitters: PubMed 39970144 (cited by Natera, Inc.); PubMed 35816039 (cited by Natera, Inc.); PubMed 34689181 (cited by Natera, Inc. and Women's Health and Genetics/Laboratory Corporation of America, LabCorp); PubMed 34178978 (cited by Natera, Inc.); PubMed 33090715 (cited by 3 submitters); PubMed 36729443 (cited by Labcorp Genetics (formerly Invitae), Labcorp).

NM_001142800.2(EYS):c.8309T>C (p.Leu2770Pro)

Genes: EYS (EGF-like photoreceptor maintenance factor; minus strand), PHF3 (PHD finger protein 3; plus strand). Cytogenetic location: 6q12.
Variant type: single nucleotide variant.
Coding change: c.8309T>C on transcript NM_001142800.2 (MANE Select); coding-DNA position 8309, T replaced by C.
Protein change: p.Leu2770Pro; replaces leucine 2770 with proline.
Molecular consequence: missense variant. On other transcripts: 3 prime UTR variant (5).
Genome position (GRCh38, 1-based): chr6:63,721,722, A>G on the plus strand (T>C on the coding strand, the complement: EYS is on the minus strand). VCF-style: chr6-63721722-A-G. GRCh37 (hg19) VCF-style: chr6-64431618-A-G.
Other names: c.*8014A>G (NM_001290259.2, NM_001370348.2, NM_001370349.2 and 2 more transcripts); c.8372T>C, p.Leu2791Pro (NM_001292009.2); c.8309T>C (NM_001142800.1); short protein forms L2791P, L2770P.
Identifiers: ClinVar variation 1520323 (VCV001520323.13), dbSNP rs1186771860, ClinGen allele CA364385221.